The following is an entry in ClinVar:

NM_000939.4(POMC):c.403G>A (p.Gly135Ser)

Gene: POMC (proopiomelanocortin; minus strand). Cytogenetic location: 2p23.3.
Variant type: single nucleotide variant.
Coding change: c.403G>A on transcript NM_000939.4 (MANE Select); coding-DNA position 403, G replaced by A.
Protein change: p.Gly135Ser; replaces glycine 135 with serine.
Molecular consequence: missense variant.
Genome position (GRCh38, 1-based): chr2:25,161,482, C>T on the plus strand (G>A on the coding strand, the complement: POMC is on the minus strand). VCF-style: chr2-25161482-C-T. GRCh37 (hg19) VCF-style: chr2-25384351-C-T.
Other names: c.403G>A, p.Gly135Ser (NM_001035256.3, NM_001319204.2, NM_001319205.2); short protein forms G135S.
Identifiers: ClinVar variation 3357744 (VCV003357744.1).
Genomic context (GRCh38, chr2:25,161,482, plus strand): 5'-GCCGCTTCTTGCCCACCGGCTTGCCCCAGCGGAAGTGCTCCATGGAGTAGGAGCGCTTGC[C>T]CTCGCGCGGGCCCGGCTTGGCACCATCGCTGCGGGGCTCGGGGCCGCCCTCAGGCAGCGG-3'
Protein context (NP_000930.1, residues 125-145): SDGAKPGPRE[Gly135Ser]KRSYSMEHFR

ClinVar aggregate classification (germline): Uncertain significance (0 of 4 stars; one submission).

Conditions:
POMC-related disorder. Also called: POMC-related disorders; POMC-related condition.

gnomAD v4.1: 9 of 1,607,068 alleles (0.00056%); highest among the groups gnomAD compares: Non-Finnish European, 0.00076%; no homozygotes.

Submission:

PreventionGenetics, part of Exact Sciences
Classification: Uncertain significance for POMC-related condition. Last evaluated: 2024-09-13. Review status: no assertion criteria provided. Collection method: clinical testing. Allele origin: germline.
Comment: The POMC c.403G>A variant is predicted to result in the amino acid substitution p.Gly135Ser. To our knowledge, this variant has not been reported in the literature. This variant is reported in 0.0029% of alleles in individuals of European (Non-Finnish) descent in gnomAD. At this time, the clinical significance of this variant is uncertain due to the absence of conclusive functional and genetic evidence.